The following is an entry in ClinVar:

NM_000944.5(PPP3CA):c.812A>G (p.His271Arg)

Gene: PPP3CA (protein phosphatase 3 catalytic subunit alpha; minus strand). Cytogenetic location: 4q24.
Variant type: single nucleotide variant.
Coding change: c.812A>G on transcript NM_000944.5 (MANE Select); coding-DNA position 812, A replaced by G.
Protein change: p.His271Arg; replaces histidine 271 with arginine.
Molecular consequence: missense variant.
Genome position (GRCh38, 1-based): chr4:101,083,234, T>C on the plus strand (A>G on the coding strand, the complement: PPP3CA is on the minus strand). VCF-style: chr4-101083234-T-C. GRCh37 (hg19) VCF-style: chr4-102004391-T-C.
Other names: c.812A>G, p.His271Arg (NM_001130691.2, NM_001130692.2); short protein forms H271R.
Identifiers: ClinVar variation 2795089 (VCV002795089.3), dbSNP rs2476302521, ClinGen allele CA357948482.

ClinVar aggregate classification (germline): Uncertain significance (1 of 4 stars; one submission).

Submission:

Labcorp Genetics (formerly Invitae), Labcorp
Classification: Uncertain significance. Last evaluated: 2023-01-19. Review status: criteria provided, single submitter. Criteria: Invitae Variant Classification Sherloc (09022015). Collection method: clinical testing. Allele origin: germline.
Comment: In summary, the available evidence is currently insufficient to determine the role of this variant in disease. Therefore, it has been classified as a Variant of Uncertain Significance. Advanced modeling of protein sequence and biophysical properties (such as structural, functional, and spatial information, amino acid conservation, physicochemical variation, residue mobility, and thermodynamic stability) performed at Invitae indicates that this missense variant is not expected to disrupt PPP3CA protein function. This sequence change replaces histidine, which is basic and polar, with arginine, which is basic and polar, at codon 271 of the PPP3CA protein (p.His271Arg). This variant is not present in population databases (gnomAD no frequency). This variant has not been reported in the literature in individuals affected with PPP3CA-related conditions.